The following is an entry in ClinVar:

NM_003239.5(TGFB3):c.995G>T (p.Trp332Leu)

Gene: TGFB3 (transforming growth factor beta 3; minus strand). Cytogenetic location: 14q24.3.
Variant type: single nucleotide variant.
Coding change: c.995G>T on transcript NM_003239.5 (MANE Select); coding-DNA position 995, G replaced by T.
Protein change: p.Trp332Leu; replaces tryptophan 332 with leucine.
Molecular consequence: missense variant.
Genome position (GRCh38, 1-based): chr14:75,961,008, C>A on the plus strand (G>T on the coding strand, the complement: TGFB3 is on the minus strand). VCF-style: chr14-75961008-C-A. GRCh37 (hg19) VCF-style: chr14-76427351-C-A.
Other names: c.995G>T, p.Trp332Leu (NM_001329939.2); short protein forms W332L.
Identifiers: ClinVar variation 519264 (VCV000519264.5), dbSNP rs1555360218, ClinGen allele CA390467953.
Genomic context (GRCh38, chr14:75,961,008, plus strand): 5'-CGGAGGTATGGGCAAGGGCCTGAGCAGAAGTTGGCATAGTAGCCCTTAGGTTCATGGACC[C>A]ACTTCCAGCCCAGATCCTGTCGGAAGTCAATGTAGAGGGGGCGCACACAGCAGTTCTCCT-3'
Protein context (NP_003230.1, residues 322-342): IDFRQDLGWK[Trp332Leu]VHEPKGYYAN

ClinVar aggregate classification (germline): Uncertain significance (1 of 4 stars; one submission).

Conditions:
Familial thoracic aortic aneurysm and aortic dissection (TAAD). Also called: Thoracic aortic aneurysms and dissections. Identifiers: Orphanet 91387, MedGen C4707243, MONDO:0019625.

Submission:

Ambry Genetics
Classification: Uncertain significance for Familial thoracic aortic aneurysm and aortic dissection. Last evaluated: 2016-07-01. Review status: criteria provided, single submitter. Criteria: Ambry Variant Classification Scheme 2023. Collection method: clinical testing. Allele origin: germline.
Comment: The p.W332L variant (also known as c.995G>T), located in coding exon 6 of the TGFB3 gene, results from a G to T substitution at nucleotide position 995. The tryptophan at codon 332 is replaced by leucine, an amino acid with similar properties. This variant was not reported in population based cohorts in the following databases: Database of Single Nucleotide Polymorphisms (dbSNP), Exome Aggregation Consortium (ExAC), NHLBI Exome Sequencing Project (ESP), and 1000 Genomes Project. In the ESP, this variant was not observed in 6503 samples (13006 alleles) with coverage at this position. This amino acid position is highly conserved in available vertebrate species. In addition, this alteration is predicted to be deleterious by in silico analysis. Since supporting evidence is limited at this time, the clinical significance of this alteration remains unclear.